The following is an entry in ClinVar:

NM_031935.3(HMCN1):c.8549C>T (p.Ala2850Val)

Gene: HMCN1 (hemicentin 1; plus strand). Cytogenetic location: 1q31.1.
Variant type: single nucleotide variant.
Coding change: c.8549C>T on transcript NM_031935.3 (MANE Select); coding-DNA position 8549, C replaced by T.
Protein change: p.Ala2850Val; replaces alanine 2850 with valine.
Molecular consequence: missense variant.
Genome position (GRCh38, 1-based): chr1:186,078,170, C>T. VCF-style: chr1-186078170-C-T. GRCh37 (hg19) VCF-style: chr1-186047302-C-T.
Other names: short protein forms A2850V.
Identifiers: ClinVar variation 1953138 (VCV001953138.5), dbSNP rs757396621, ClinGen allele CA1293160.
Genomic context (GRCh38, chr1:186,078,170, plus strand): 5'-GGCGAGTGTTGCAGATTCCTCGGGCTAAAGTAGAAGATGCTGGGAGATACACATGTGTGG[C>T]TGTGAATGAGGCTGGAGAAGATTCCCTTCAATATGATGTCCGTGTACTCGGTGAGTTTTT-3'
Protein context (NP_114141.2, residues 2840-2860): VEDAGRYTCV[Ala2850Val]VNEAGEDSLQ

ClinVar aggregate classification (germline): Uncertain significance (1 of 4 stars; one submission).

Allele frequency attached by ClinVar (database versions not stated): gnomAD exomes below 0.00001; ExAC 0.00001; gnomAD 0.00001; TOPMed 0.00001.
gnomAD v4.1: 8 of 1,613,646 alleles (0.0005%); highest among the groups gnomAD compares: Middle Eastern, 0.016%; no homozygotes.

Submission:

Labcorp Genetics (formerly Invitae), Labcorp
Classification: Uncertain significance. Last evaluated: 2022-10-17. Review status: criteria provided, single submitter. Criteria: Invitae Variant Classification Sherloc (09022015). Collection method: clinical testing. Allele origin: germline.
Comment: In summary, the available evidence is currently insufficient to determine the role of this variant in disease. Therefore, it has been classified as a Variant of Uncertain Significance. Algorithms developed to predict the effect of missense changes on protein structure and function (SIFT, PolyPhen-2, Align-GVGD) all suggest that this variant is likely to be disruptive. This variant has not been reported in the literature in individuals affected with HMCN1-related conditions. This variant is present in population databases (rs757396621, gnomAD 0.003%). This sequence change replaces alanine, which is neutral and non-polar, with valine, which is neutral and non-polar, at codon 2850 of the HMCN1 protein (p.Ala2850Val).